The following is an entry in ClinVar:

ClinVar aggregate classification (germline): Pathogenic (1 of 4 stars; one submission).

Submission:

Labcorp Genetics (formerly Invitae), Labcorp
Classification: Pathogenic. Last evaluated: 2023-05-11. Review status: criteria provided, single submitter. Criteria: Invitae Variant Classification Sherloc (09022015). Collection method: clinical testing. Allele origin: germline.
Comment: This sequence change creates a premature translational stop signal (p.His1018Thrfs*16) in the KAT6A gene. It is expected to result in an absent or disrupted protein product. Loss-of-function variants in KAT6A are known to be pathogenic (PMID: 25728775, 25728777, 27133397). This variant is not present in population databases (gnomAD no frequency). This variant has not been reported in the literature in individuals affected with KAT6A-related conditions. For these reasons, this variant has been classified as Pathogenic.

Literature cited by the submitters: PubMed 25728775; PubMed 25728777; PubMed 27133397.

NM_006766.5(KAT6A):c.3052del (p.His1018fs)

Gene: KAT6A (lysine acetyltransferase 6A; minus strand). Cytogenetic location: 8p11.21.
Variant type: Deletion.
Coding change: c.3052del on transcript NM_006766.5 (MANE Select); coding-DNA position 3052, one base deleted (C; older notation c.3052delC).
Protein change: p.His1018fs; shifts the reading frame from histidine 1018.
Molecular consequence: frameshift variant.
Genome position (GRCh38, 1-based): chr8:41,937,556, G deleted on the plus strand (C on the coding strand, the reverse complement: KAT6A is on the minus strand); the first of 2 consecutive G bases (chr8:41,937,556-41,937,557); deleting either gives the same sequence. VCF-style (leftmost placement, unchanged base first): chr8-41937555-TG-T. GRCh37 (hg19) VCF-style: chr8-41795073-TG-T.
Other names: short protein forms H1018fs.
Identifiers: ClinVar variation 2853598 (VCV002853598.3), dbSNP rs2486764038, ClinGen allele CA2739279421.